The following is an entry in ClinVar:

NM_000719.7(CACNA1C):c.5444+623G>A

Genes: CACNA1C-AS1 (CACNA1C antisense RNA 1; minus strand), CACNA1C (calcium voltage-gated channel subunit alpha1 C; plus strand). Cytogenetic location: 12p13.33.
Variant type: single nucleotide variant.
Coding change: c.5444+623G>A on transcript NM_000719.7 (MANE Select); 623 bases into the intron after coding-DNA position 5444, G replaced by A.
Molecular consequence: intron variant. On other transcripts: missense variant (1).
Genome position (GRCh38, 1-based): chr12:2,680,419, G>A. VCF-style: chr12-2680419-G-A. GRCh37 (hg19) VCF-style: chr12-2789585-G-A.
Other names: c.5468G>A (NM_001167625.1); c.5468G>A, p.Arg1823His (NM_001167625.2); c.5444+623G>A (NM_001167624.3, NM_001167623.2, NM_001129840.2 and 4 more transcripts); c.5588+623G>A (NM_199460.4, NM_001129827.2); c.5504+623G>A (NM_001129832.2); c.5528+623G>A (NM_001129831.2); c.5501+623G>A (NM_001129833.2, NM_001129834.2, NM_001129835.2); c.5567+623G>A (NM_001129829.2); and 5 more; short protein forms R1823H.
Identifiers: ClinVar variation 993338 (VCV000993338.9), dbSNP rs750528395, ClinGen allele CA6389797.
Genomic context (GRCh38, chr12:2,680,419, plus strand): 5'-CTAGGATGCACTGCTGTGACATGCTGGATGGTGGGACCTTCCCTCCCGCCCTGGGCCCCC[G>A]CAGGGCTCCTCCCTGTCTGCATCAGCAGCTCCAGGGTTCCCTGGCGGGGCTGAGAGAGGA-3'

ClinVar aggregate classification (germline): Uncertain significance. Review status: criteria provided, multiple submitters, no conflicts (2 of 4 stars). 2 submissions from 2 submitters: Uncertain significance (2). Last evaluated 2026-04-29.

Conditions:
CACNA1C-related disorder. Also called: CACNA1C-related condition; CACNA1C-related disorders. Identifiers: MedGen CN381092, MONDO:0700321.

Allele frequency attached by ClinVar (database versions not stated): TOPMed 0.00006.
gnomAD v4.1: 26 of 1,560,846 alleles (0.0017%); highest among the groups gnomAD compares: Admixed American, 0.011%; no homozygotes.

Submissions (2):

PreventionGenetics, part of Exact Sciences
Classification: Uncertain significance for CACNA1C-related condition. Last evaluated: 2026-04-29. Review status: criteria provided, single submitter. Criteria: ACMG Guidelines, 2015. Collection method: clinical testing. Allele origin: germline.
Comment: The CACNA1C c.5468G>A variant is predicted to result in the amino acid substitution p.Arg1823His. This variant is referred to as c.5444+623G>A (intronic) with an alternate transcript  NM_000719.6. To our knowledge, this variant has not been reported in the literature. This variant is reported in 0.0056% of alleles in individuals of African descent in gnomAD. At this time, the clinical significance of this variant is uncertain due to the absence of conclusive functional and genetic evidence.

ARUP Laboratories, Molecular Genetics and Genomics, ARUP Laboratories
Classification: Uncertain significance. Last evaluated: 2019-09-30. Review status: criteria provided, single submitter. Criteria: ARUP Molecular Germline Variant Investigation Process. Collection method: clinical testing. Allele origin: germline.
Comment: The CACNA1C c.5468G>A; p.Arg1823His variant (rs750528395), also known as c.5444+623G>A in NM_000719.6, to our knowledge, is not reported in the medical literature or gene-specific databases. This variant is found in an alternative transcript of CACNA1C, NM_001167625.1, which exhibits negligible expression in all tissues measured in the Genotype-Tissue Expression project. This variant is found on only two chromosomes (2/198002 alleles) in the Genome Aggregation Database. The arginine at codon 1823 is weakly conserved, it occurs in an exon that is weakly conserved overall, and computational analyses (SIFT, PolyPhen-2) predict that this variant is tolerated. While existing evidence suggests this variant is unlikely to be disease-causing, due to limited information, the clinical significance of the p.Arg1823His variant is uncertain at this time. References: Genotype-Tissue Expression project